The following is an entry in ClinVar:

ClinVar aggregate classification (germline): Likely pathogenic (1 of 4 stars; one submission).

Submission:

GeneDx
Classification: Likely pathogenic. Last evaluated: 2022-05-26. Review status: criteria provided, single submitter. Criteria: GeneDx Variant Classification Process June 2021. Collection method: clinical testing. Allele origin: germline. Affected: yes.
Comment: Frameshift variant predicted to result in protein truncation or nonsense mediated decay in a gene for which loss of function is a known mechanism of disease; Not observed at significant frequency in large population cohorts (gnomAD); Has not been previously published as pathogenic or benign to our knowledge

NM_000431.4(MVK):c.249del (p.Thr84fs)

Gene: MVK (mevalonate kinase; plus strand). Cytogenetic location: 12q24.11.
Variant type: Deletion.
Coding change: c.249del on transcript NM_000431.4 (MANE Select); coding-DNA position 249, one base deleted (C; older notation c.249delC).
Protein change: p.Thr84fs; shifts the reading frame from threonine 84.
Molecular consequence: frameshift variant.
Genome position (GRCh38, 1-based): chr12:109,579,824, C deleted; the last of 3 consecutive C bases (chr12:109,579,822-109,579,824); deleting any one gives the same sequence. VCF-style (leftmost placement, unchanged base first): chr12-109579821-AC-A. GRCh37 (hg19) VCF-style: chr12-110017626-AC-A.
Other names: c.249delC, p.Thr84Profs (NM_000431.2); c.249del, p.Thr84fs (NM_001114185.3, NM_001301182.2); short protein forms T84fs.
Identifiers: ClinVar variation 1801199 (VCV001801199.1), dbSNP rs2548623411, ClinGen allele CA2580085767.
Genomic context (GRCh38, chr12:109,579,821, plus strand): 5'-CCTCTCACCCACTTGTGTTTGCTTGTTTGCCTGTGGAACAGAGCAAGGTGATGTCACAAC[AC>A]CCACCTCAGAGCAAGTGGAGAAGCTAAAGGAGGTTGCAGGCTTGCCTGACGACTGTGCTG-3'